The following is an entry in ClinVar:

NM_001382430.1(AKT1):c.292G>A (p.Glu98Lys)

Gene: AKT1 (AKT serine/threonine kinase 1; minus strand). Cytogenetic location: 14q32.33.
Variant type: single nucleotide variant.
Coding change: c.292G>A on transcript NM_001382430.1 (MANE Select); coding-DNA position 292, G replaced by A.
Protein change: p.Glu98Lys; replaces glutamic acid 98 with lysine.
Molecular consequence: missense variant.
Genome position (GRCh38, 1-based): chr14:104,775,795, C>T on the plus strand (G>A on the coding strand, the complement: AKT1 is on the minus strand). VCF-style: chr14-104775795-C-T. GRCh37 (hg19) VCF-style: chr14-105242132-C-T.
Other names: c.292G>A, p.Glu98Lys (NM_001014431.2, NM_001014432.2, NM_001382431.1 and 3 more transcripts); short protein forms E98K.
Identifiers: ClinVar variation 1797799 (VCV001797799.2), dbSNP rs2542150160, ClinGen allele CA391220512.

ClinVar aggregate classification (germline): Uncertain significance (1 of 4 stars; one submission).

Conditions:
Inborn genetic diseases. Identifiers: MedGen C0950123, MeSH D030342.

Allele frequency attached by ClinVar (database versions not stated): gnomAD exomes below 0.00001.

Submission:

Ambry Genetics
Classification: Uncertain significance for Inborn genetic diseases. Last evaluated: 2021-11-16. Review status: criteria provided, single submitter. Criteria: Ambry Variant Classification Scheme 2023. Collection method: clinical testing. Allele origin: germline.
Comment: The p.E98K variant (also known as c.292G>A), located in coding exon 4 of the AKT1 gene, results from a G to A substitution at nucleotide position 292. The glutamic acid at codon 98 is replaced by lysine, an amino acid with similar properties. This amino acid position is conserved. In addition, this alteration is predicted to be tolerated by in silico analysis. Since supporting evidence is limited at this time, the clinical significance of this alteration remains unclear.